The following is an entry in ClinVar:

NM_020442.6(VARS2):c.961G>C (p.Ala321Pro)

Gene: VARS2 (valyl-tRNA synthetase 2, mitochondrial; plus strand). Cytogenetic location: 6p21.33.
Variant type: single nucleotide variant.
Coding change: c.961G>C on transcript NM_020442.6 (MANE Select); coding-DNA position 961, G replaced by C.
Protein change: p.Ala321Pro; replaces alanine 321 with proline.
Molecular consequence: missense variant.
Genome position (GRCh38, 1-based): chr6:30,917,782, G>C. VCF-style: chr6-30917782-G-C. GRCh37 (hg19) VCF-style: chr6-30885559-G-C.
Other names: c.541G>C, p.Ala181Pro (NM_001167733.3); c.1051G>C, p.Ala351Pro (NM_001167734.2); short protein forms A321P, A181P, A351P.
Identifiers: ClinVar variation 2003333 (VCV002003333.4), dbSNP rs2538640348, ClinGen allele CA363169860.

ClinVar aggregate classification (germline): Uncertain significance (1 of 4 stars; one submission).

Submission:

Labcorp Genetics (formerly Invitae), Labcorp
Classification: Uncertain significance. Last evaluated: 2022-08-15. Review status: criteria provided, single submitter. Criteria: Invitae Variant Classification Sherloc (09022015). Collection method: clinical testing. Allele origin: germline.
Comment: In summary, the available evidence is currently insufficient to determine the role of this variant in disease. Therefore, it has been classified as a Variant of Uncertain Significance. Algorithms developed to predict the effect of missense changes on protein structure and function are either unavailable or do not agree on the potential impact of this missense change (SIFT: "Tolerated"; PolyPhen-2: "Probably Damaging"; Align-GVGD: "Class C0"). This variant has not been reported in the literature in individuals affected with VARS2-related conditions. This variant is not present in population databases (gnomAD no frequency). This sequence change replaces alanine, which is neutral and non-polar, with proline, which is neutral and non-polar, at codon 351 of the VARS2 protein (p.Ala351Pro).